The following is an entry in ClinVar:

NM_001201543.2(FAM161A):c.1168G>A (p.Glu390Lys)

Gene: FAM161A (FAM161 centrosomal protein A; minus strand). Cytogenetic location: 2p15.
Variant type: single nucleotide variant.
Coding change: c.1168G>A on transcript NM_001201543.2 (MANE Select); coding-DNA position 1168, G replaced by A.
Protein change: p.Glu390Lys; replaces glutamic acid 390 with lysine.
Molecular consequence: missense variant. On other transcripts: non-coding transcript variant (1).
Genome position (GRCh38, 1-based): chr2:61,839,836, C>T on the plus strand (G>A on the coding strand, the complement: FAM161A is on the minus strand). VCF-style: chr2-61839836-C-T. GRCh37 (hg19) VCF-style: chr2-62066971-C-T.
Other names: c.1168G>A, p.Glu390Lys (NM_032180.3); short protein forms E390K.
Identifiers: ClinVar variation 2164296 (VCV002164296.4), dbSNP rs1344141787, ClinGen allele CA346987171.

ClinVar aggregate classification (germline): Uncertain significance (1 of 4 stars; one submission).

Allele frequency attached by ClinVar (database versions not stated): gnomAD exomes below 0.00001.
gnomAD v4.1: 2 of 1,614,222 alleles (0.00012%); highest among the groups gnomAD compares: Admixed American, 0.0017%; no homozygotes.

Submission:

Labcorp Genetics (formerly Invitae), Labcorp
Classification: Uncertain significance. Last evaluated: 2025-02-06. Review status: criteria provided, single submitter. Criteria: Invitae Variant Classification Sherloc (09022015). Collection method: clinical testing. Allele origin: germline.
Comment: This sequence change replaces glutamic acid, which is acidic and polar, with lysine, which is basic and polar, at codon 390 of the FAM161A protein (p.Glu390Lys). This variant is present in population databases (no rsID available, gnomAD 0.003%). This variant has not been reported in the literature in individuals affected with FAM161A-related conditions. ClinVar contains an entry for this variant (Variation ID: 2164296). Invitae Evidence Modeling of protein sequence and biophysical properties (such as structural, functional, and spatial information, amino acid conservation, physicochemical variation, residue mobility, and thermodynamic stability) indicates that this missense variant is not expected to disrupt FAM161A protein function with a negative predictive value of 80%. In summary, the available evidence is currently insufficient to determine the role of this variant in disease. Therefore, it has been classified as a Variant of Uncertain Significance.